The following is an entry in ClinVar:

NM_182914.3(SYNE2):c.15050A>T (p.His5017Leu)

Gene: SYNE2 (spectrin repeat containing nuclear envelope protein 2; plus strand). Cytogenetic location: 14q23.2.
Variant type: single nucleotide variant.
Coding change: c.15050A>T on transcript NM_182914.3 (MANE Select); coding-DNA position 15050, A replaced by T.
Protein change: p.His5017Leu; replaces histidine 5017 with leucine.
Molecular consequence: missense variant.
Genome position (GRCh38, 1-based): chr14:64,141,414, A>T. VCF-style: chr14-64141414-A-T. GRCh37 (hg19) VCF-style: chr14-64608132-A-T.
Other names: c.15050A>T, p.His5017Leu (NM_015180.6); short protein forms H5017L.
Identifiers: ClinVar variation 662683 (VCV000662683.10), dbSNP rs1387380431, ClinGen allele CA389940251.
Genomic context (GRCh38, chr14:64,141,414, plus strand): 5'-AAGTTGATGAAAAATCCTCCTTGAAGACTGCCGTTATCAGTATCGGGAACCAGCTTCTTC[A>T]CCTGAAAGAAACTGATACAGCTACACTGAGAGCTTCTTTAGCACAGTTTGAACAAAAATG-3'
Protein context (NP_878918.2, residues 5007-5027): AVISIGNQLL[His5017Leu]LKETDTATLR

ClinVar aggregate classification (germline): Uncertain significance (1 of 4 stars; one submission).

Conditions:
Emery-Dreifuss muscular dystrophy 5, autosomal dominant (EDMD5). Also called: EMERY-DREIFUSS MUSCULAR DYSTROPHY 5. Identifiers: Orphanet 261, MedGen C2751805, MONDO:0013072, OMIM 612999.

Submission:

Labcorp Genetics (formerly Invitae), Labcorp
Classification: Uncertain significance for Emery-Dreifuss muscular dystrophy 5, autosomal dominant. Last evaluated: 2022-06-27. Review status: criteria provided, single submitter. Criteria: Invitae Variant Classification Sherloc (09022015). Collection method: clinical testing. Allele origin: germline.
Comment: ClinVar contains an entry for this variant (Variation ID: 662683). This variant has not been reported in the literature in individuals affected with SYNE2-related conditions. This variant is not present in population databases (gnomAD no frequency). This sequence change replaces histidine, which is basic and polar, with leucine, which is neutral and non-polar, at codon 5017 of the SYNE2 protein (p.His5017Leu). In summary, the available evidence is currently insufficient to determine the role of this variant in disease. Therefore, it has been classified as a Variant of Uncertain Significance. Algorithms developed to predict the effect of missense changes on protein structure and function are either unavailable or do not agree on the potential impact of this missense change (SIFT: "Tolerated"; PolyPhen-2: "Probably Damaging"; Align-GVGD: "Class C0").